The following is an entry in ClinVar:

ClinVar aggregate classification (germline): Benign. Review status: criteria provided, multiple submitters, no conflicts (2 of 4 stars). 3 submissions from 3 submitters: Benign (3). Last evaluated 2026-09-01.

Allele frequency attached by ClinVar (database versions not stated): 1000 Genomes Project 0.00459; 1000 Genomes Project 30x 0.00484; TOPMed 0.00822; ESP Exome Variant Server 0.00879; ExAC 0.01059; gnomAD exomes 0.01064 and 0.01208.
gnomAD v4.1: 19,058 of 1,613,970 alleles (1.2%); highest among the groups gnomAD compares: Non-Finnish European, 1.3%; 163 homozygotes.

Submissions (3):

CeGaT Center for Human Genetics Tuebingen
Classification: Benign. Last evaluated: 2026-09-01. Review status: criteria provided, single submitter. Criteria: CeGaT Center For Human Genetics Tuebingen Variant Classification Criteria Version 2. Collection method: clinical testing. Allele origin: germline. Affected: yes. Observed: 11 variant alleles.
Comment: AGBL5: BP4, BS1, BS2

Labcorp Genetics (formerly Invitae), Labcorp
Classification: Benign. Last evaluated: 2026-01-30. Review status: criteria provided, single submitter. Criteria: Invitae Variant Classification Sherloc (09022015). Collection method: clinical testing. Allele origin: germline.

Breakthrough Genomics
Classification: Benign. Review status: criteria provided, single submitter. Criteria: ACMG Guidelines, 2015. Collection method: not provided. Allele origin: germline. Inheritance: Autosomal recessive inheritance. Affected: yes.

NM_021831.6(AGBL5):c.2519G>A (p.Arg840His)

Gene: AGBL5 (AGBL carboxypeptidase 5; plus strand). Cytogenetic location: 2p23.3.
Variant type: single nucleotide variant.
Coding change: c.2519G>A on transcript NM_021831.6 (MANE Select); coding-DNA position 2519, G replaced by A.
Protein change: p.Arg840His; replaces arginine 840 with histidine.
Molecular consequence: missense variant. On other transcripts: non-coding transcript variant (2).
Genome position (GRCh38, 1-based): chr2:27,070,121, G>A. VCF-style: chr2-27070121-G-A. GRCh37 (hg19) VCF-style: chr2-27292989-G-A.
Other names: short protein forms R840H.
Identifiers: ClinVar variation 1168993 (VCV001168993.31), dbSNP rs140335340, ClinGen allele CA1568286.